The following is an entry in ClinVar:

ClinVar aggregate classification (germline): Benign/Likely benign. Review status: criteria provided, multiple submitters, no conflicts (2 of 4 stars). 3 submissions from 3 submitters: Benign (1); Likely benign (2). Last evaluated 2026-06-10.

Conditions:
Tumor predisposition syndrome 2 (TPDS2). Also called: MBD4-Related Tumor Predisposition Syndrome; MBD4-associated neoplasia syndrome (MANS); MBD4-ASSOCIATED NEOPLASIA SYNDROME. Identifiers: Orphanet 661526, MedGen C5774186, MONDO:0859267, OMIM 619975.
Inborn genetic diseases. Identifiers: MedGen C0950123, MeSH D030342.

gnomAD v4.1: 4 of 1,613,994 alleles (0.00025%); highest among the groups gnomAD compares: South Asian, 0.0011%; no homozygotes.

Submissions (3):

Myriad Genetics, Inc.
Classification: Benign for Tumor predisposition syndrome 2. Last evaluated: 2026-06-10. Review status: criteria provided, single submitter. Criteria: Myriad Autosomal Dominant, Autosomal Recessive and X-Linked Classification Criteria (2023). Collection method: clinical testing. Allele origin: unknown.
Comment: This variant is considered benign. This variant is a silent/synonymous amino acid change and it is not expected to impact splicing.

Labcorp Genetics (formerly Invitae), Labcorp
Classification: Likely benign. Last evaluated: 2025-10-07. Review status: criteria provided, single submitter. Criteria: Invitae Variant Classification Sherloc (09022015). Collection method: clinical testing. Allele origin: germline.

Ambry Genetics
Classification: Likely benign for Inborn genetic diseases. Last evaluated: 2025-09-22. Review status: criteria provided, single submitter. Criteria: Ambry Variant Classification Scheme 2023. Collection method: clinical testing. Allele origin: germline.

NM_001276270.2(MBD4):c.930A>G (p.Val310=)

Gene: MBD4 (methyl-CpG binding domain 4, DNA glycosylase; minus strand). Cytogenetic location: 3q21.3.
Variant type: single nucleotide variant.
Coding change: c.930A>G on transcript NM_001276270.2 (MANE Select); coding-DNA position 930, A replaced by G.
Protein change: p.Val310=; no amino-acid change (valine 310 retained).
Molecular consequence: synonymous variant. On other transcripts: intron variant (1).
Genome position (GRCh38, 1-based): chr3:129,436,714, T>C on the plus strand (A>G on the coding strand, the complement: MBD4 is on the minus strand). VCF-style: chr3-129436714-T-C. GRCh37 (hg19) VCF-style: chr3-129155557-T-C.
Other names: c.930A>G, p.Val310= (NM_001276271.2, NM_001276272.2, NM_003925.3); c.247+1094A>G (NM_001276273.2).
Identifiers: ClinVar variation 3716337 (VCV003716337.4).
Genomic context (GRCh38, chr3:129,436,714, plus strand): 5'-AGAAGTTTTTTGTTCAGAACAAAAATTTGATCCTGAACTCAATGATCTTTCTTTTTTTTT[T>C]ACAAGGCTGTTTTCTTCACTGGTCACACTGAGGGTCTCACCACATGCTCCAGCATCAGAA-3'
Protein context (NP_001263199.1, residues 300-320): LSVTSEENSL[Val310=]KKKERSLSSG